The following is an entry in ClinVar:

ClinVar aggregate classification (germline): Uncertain significance (1 of 4 stars; one submission).

gnomAD v4.1: 37 of 1,613,446 alleles (0.0023%); highest among the groups gnomAD compares: African/African-American, 0.04%; 1 homozygote.

Submission:

Labcorp Genetics (formerly Invitae), Labcorp
Classification: Uncertain significance. Last evaluated: 2024-11-05. Review status: criteria provided, single submitter. Criteria: Invitae Variant Classification Sherloc (09022015). Collection method: clinical testing. Allele origin: germline.
Comment: This sequence change replaces aspartic acid, which is acidic and polar, with glycine, which is neutral and non-polar, at codon 407 of the CREB3L3 protein (p.Asp407Gly). This variant is present in population databases (rs149442054, gnomAD 0.05%), and has an allele count higher than expected for a pathogenic variant. This missense change has been observed in individual(s) with clinical features of CREB3L3-related conditions (PMID: 36325899). An algorithm developed to predict the effect of missense changes on protein structure and function outputs the following: PolyPhen-2: "Benign". The glycine amino acid residue is found in multiple mammalian species, which suggests that this missense change does not adversely affect protein function. In summary, the available evidence is currently insufficient to determine the role of this variant in disease. Therefore, it has been classified as a Variant of Uncertain Significance.

Literature cited by the submitters: PubMed 36325899.

NM_032607.3(CREB3L3):c.1220A>G (p.Asp407Gly)

Genes: CREB3L3 (cAMP responsive element binding protein 3 like 3; plus strand), LOC125371455 (Sharpr-MPRA regulatory region 11650; plus strand). Cytogenetic location: 19p13.3.
Variant type: single nucleotide variant.
Coding change: c.1220A>G on transcript NM_032607.3 (MANE Select); coding-DNA position 1220, A replaced by G.
Protein change: p.Asp407Gly; replaces aspartic acid 407 with glycine.
Molecular consequence: missense variant. On other transcripts: 3 prime UTR variant (1).
Genome position (GRCh38, 1-based): chr19:4,171,803, A>G. VCF-style: chr19-4171803-A-G. GRCh37 (hg19) VCF-style: chr19-4171800-A-G.
Other names: c.1217A>G, p.Asp406Gly (NM_001271995.2); c.1214A>G, p.Asp405Gly (NM_001271996.2); c.*99A>G (NM_001271997.2); short protein forms D407G, D406G, D405G.
Identifiers: ClinVar variation 3711537 (VCV003711537.2).